The following is an entry in ClinVar:

NM_001365999.1(SZT2):c.7135C>T (p.Arg2379Cys)

Gene: SZT2 (SZT2 subunit of KICSTOR complex; plus strand). Cytogenetic location: 1p34.2.
Variant type: single nucleotide variant.
Coding change: c.7135C>T on transcript NM_001365999.1 (MANE Select); coding-DNA position 7135, C replaced by T.
Protein change: p.Arg2379Cys; replaces arginine 2379 with cysteine.
Molecular consequence: missense variant.
Genome position (GRCh38, 1-based): chr1:43,439,973, C>T. VCF-style: chr1-43439973-C-T. GRCh37 (hg19) VCF-style: chr1-43905644-C-T.
Other names: c.6964C>T, p.Arg2322Cys (NM_015284.4); short protein forms R2322C, R2379C.
Identifiers: ClinVar variation 943193 (VCV000943193.9), dbSNP rs775843892, ClinGen allele CA810119.

ClinVar aggregate classification (germline): Uncertain significance. Review status: criteria provided, multiple submitters, no conflicts (2 of 4 stars). 3 submissions from 3 submitters: Uncertain significance (3). Last evaluated 2026-02-06.

Conditions:
Inborn genetic diseases. Identifiers: MedGen C0950123, MeSH D030342.

Allele frequency attached by ClinVar (database versions not stated): ExAC 0.00002; gnomAD exomes 0.00003; gnomAD 0.00004; TOPMed 0.00005.
gnomAD v4.1: 29 of 1,614,052 alleles (0.0018%); highest among the groups gnomAD compares: Admixed American, 0.012%; no homozygotes.

Submissions (3):

Ambry Genetics
Classification: Uncertain significance for Inborn genetic diseases. Last evaluated: 2026-02-06. Review status: criteria provided, single submitter. Criteria: Ambry Variant Classification Scheme 2023. Collection method: clinical testing. Allele origin: germline.
Comment: The c.6964C>T (p.R2322C) alteration is located in exon 50 (coding exon 50) of the SZT2 gene. This alteration results from a C to T substitution at nucleotide position 6964, causing the arginine (R) at amino acid position 2322 to be replaced by a cysteine (C). Based on data from gnomAD, the T allele has an overall frequency of 0.003% (8/251294) total alleles studied. The highest observed frequency was 0.012% (4/34568) of Latino alleles. This amino acid position is highly conserved in available vertebrate species. The in silico prediction for this alteration is inconclusive. Based on insufficient or conflicting evidence, the clinical significance of this alteration remains unclear.

Labcorp Genetics (formerly Invitae), Labcorp
Classification: Uncertain significance. Last evaluated: 2022-12-06. Review status: criteria provided, single submitter. Criteria: Invitae Variant Classification Sherloc (09022015). Collection method: clinical testing. Allele origin: germline.
Comment: In summary, the available evidence is currently insufficient to determine the role of this variant in disease. Therefore, it has been classified as a Variant of Uncertain Significance. Advanced modeling of protein sequence and biophysical properties (such as structural, functional, and spatial information, amino acid conservation, physicochemical variation, residue mobility, and thermodynamic stability) performed at Invitae indicates that this missense variant is expected to disrupt SZT2 protein function. ClinVar contains an entry for this variant (Variation ID: 943193). This variant has not been reported in the literature in individuals affected with SZT2-related conditions. This variant is present in population databases (rs775843892, gnomAD 0.01%). This sequence change replaces arginine, which is basic and polar, with cysteine, which is neutral and slightly polar, at codon 2322 of the SZT2 protein (p.Arg2322Cys).

Blueprint Genetics
Classification: Uncertain significance. Last evaluated: 2021-03-11. Review status: criteria provided, single submitter. Criteria: ACMG Guidelines, 2015. Collection method: clinical testing. Allele origin: germline.